The following is an entry in ClinVar:

ClinVar aggregate classification (germline): Uncertain significance (1 of 4 stars; one submission).

Submission:

Ambry Genetics
Classification: Uncertain significance. Last evaluated: 2022-08-20. Review status: criteria provided, single submitter. Criteria: Ambry Variant Classification Scheme 2023. Collection method: clinical testing. Allele origin: germline.
Comment: The p.A52T variant (also known as c.154G>A), located in coding exon 1 of the MYOM1 gene, results from a G to A substitution at nucleotide position 154. The alanine at codon 52 is replaced by threonine, an amino acid with similar properties. This amino acid position is conserved. In addition, this alteration is predicted to be tolerated by in silico analysis. Since supporting evidence is limited at this time, the clinical significance of this alteration remains unclear.

NM_003803.4(MYOM1):c.154G>A (p.Ala52Thr)

Gene: MYOM1 (myomesin 1; minus strand). Cytogenetic location: 18p11.31.
Variant type: single nucleotide variant.
Coding change: c.154G>A on transcript NM_003803.4 (MANE Select); coding-DNA position 154, G replaced by A.
Protein change: p.Ala52Thr; replaces alanine 52 with threonine.
Molecular consequence: missense variant.
Genome position (GRCh38, 1-based): chr18:3,215,070, C>T on the plus strand (G>A on the coding strand, the complement: MYOM1 is on the minus strand). VCF-style: chr18-3215070-C-T. GRCh37 (hg19) VCF-style: chr18-3215068-C-T.
Other names: c.154G>A, p.Ala52Thr (NM_019856.2); short protein forms A52T.
Identifiers: ClinVar variation 1775022 (VCV001775022.2), dbSNP rs911180650, ClinGen allele CA401718172.